The following is an entry in ClinVar:

NM_000395.3(CSF2RB):c.769G>A (p.Val257Met)

Gene: CSF2RB (colony stimulating factor 2 receptor subunit beta; plus strand). Cytogenetic location: 22q12.3.
Variant type: single nucleotide variant.
Coding change: c.769G>A on transcript NM_000395.3 (MANE Select); coding-DNA position 769, G replaced by A.
Protein change: p.Val257Met; replaces valine 257 with methionine.
Molecular consequence: missense variant.
Genome position (GRCh38, 1-based): chr22:36,930,425, G>A. VCF-style: chr22-36930425-G-A. GRCh37 (hg19) VCF-style: chr22-37326467-G-A.
Other names: c.769G>A, p.Val257Met (NM_001410827.1); c.769G>A (NM_000395.2); short protein forms V257M.
Identifiers: ClinVar variation 2170984 (VCV002170984.5), dbSNP rs113128697, ClinGen allele CA10213582.
Genomic context (GRCh38, chr22:36,930,425, plus strand): 5'-TCCAACCCAGGGGATGAGGCCCAGCCCCAGAACCTGGAGTGCTTCTTTGACGGGGCCGCC[G>A]TGCTCAGCTGCTCCTGGGAGGTGAGGAAGGAGGTGGCCAGCTCGGTCTCCTTTGGCCTAT-3'
Protein context (NP_000386.1, residues 247-267): NLECFFDGAA[Val257Met]LSCSWEVRKE

ClinVar aggregate classification (germline): Uncertain significance. Review status: criteria provided, multiple submitters, no conflicts (2 of 4 stars). 2 submissions from 2 submitters: Uncertain significance (2). Last evaluated 2026-01-11.

Conditions:
Inborn genetic diseases. Identifiers: MedGen C0950123, MeSH D030342.

Allele frequency attached by ClinVar (database versions not stated): gnomAD exomes 0.00005; ExAC 0.00011; ESP Exome Variant Server 0.00015; 1000 Genomes Project 30x 0.00016; 1000 Genomes Project 0.00020; gnomAD 0.00023; TOPMed 0.00025.

Submissions (2):

Labcorp Genetics (formerly Invitae), Labcorp
Classification: Uncertain significance. Last evaluated: 2026-01-11. Review status: criteria provided, single submitter. Criteria: Invitae Variant Classification Sherloc (09022015). Collection method: clinical testing. Allele origin: germline.
Comment: This sequence change replaces valine, which is neutral and non-polar, with methionine, which is neutral and non-polar, at codon 257 of the CSF2RB protein (p.Val257Met). This variant is present in population databases (rs113128697, gnomAD 0.05%). This variant has not been reported in the literature in individuals affected with CSF2RB-related conditions. ClinVar contains an entry for this variant (Variation ID: 2170984). Invitae Evidence Modeling of protein sequence and biophysical properties (such as structural, functional, and spatial information, amino acid conservation, physicochemical variation, residue mobility, and thermodynamic stability) indicates that this missense variant is not expected to disrupt CSF2RB protein function with a negative predictive value of 80%. In summary, the available evidence is currently insufficient to determine the role of this variant in disease. Therefore, it has been classified as a Variant of Uncertain Significance.

Ambry Genetics
Classification: Uncertain significance for Inborn genetic diseases. Last evaluated: 2024-08-26. Review status: criteria provided, single submitter. Criteria: Ambry Variant Classification Scheme 2023. Collection method: clinical testing. Allele origin: germline.